The following is an entry in ClinVar:

ClinVar aggregate classification (germline): Likely benign (1 of 4 stars; one submission).

gnomAD v4.1: 25 of 1,611,242 alleles (0.0016%); highest among the groups gnomAD compares: Admixed American, 0.037%; no homozygotes.

Submission:

CeGaT Center for Human Genetics Tuebingen
Classification: Likely benign. Last evaluated: 2026-08-01. Review status: criteria provided, single submitter. Criteria: CeGaT Center For Human Genetics Tuebingen Variant Classification Criteria Version 2. Collection method: clinical testing. Allele origin: germline. Affected: yes. Observed: 1 variant allele.
Comment: ZNF292: BP4, BP7

NM_015021.3(ZNF292):c.5757A>G (p.Leu1919=)

Gene: ZNF292 (zinc finger protein 292; plus strand). Cytogenetic location: 6q14.3.
Variant type: single nucleotide variant.
Coding change: c.5757A>G on transcript NM_015021.3 (MANE Select); coding-DNA position 5757, A replaced by G.
Protein change: p.Leu1919=; no amino-acid change (leucine 1919 retained).
Molecular consequence: synonymous variant.
Genome position (GRCh38, 1-based): chr6:87,259,386, A>G. VCF-style: chr6-87259386-A-G. GRCh37 (hg19) VCF-style: chr6-87969104-A-G.
Other names: c.5337A>G, p.Leu1779= (NM_001351444.2).
Identifiers: ClinVar variation 5039771 (VCV005039771.1).